The following is an entry in ClinVar:

ClinVar aggregate classification (germline): Uncertain significance (1 of 4 stars; one submission).

Allele frequency attached by ClinVar (database versions not stated): gnomAD exomes below 0.00001.
gnomAD v4.1: 1 of 1,614,140 alleles (0.000062%); highest among the groups gnomAD compares: Admixed American, 0.0017%; no homozygotes.

Submission:

Labcorp Genetics (formerly Invitae), Labcorp
Classification: Uncertain significance. Last evaluated: 2023-11-07. Review status: criteria provided, single submitter. Criteria: Invitae Variant Classification Sherloc (09022015). Collection method: clinical testing. Allele origin: germline.
Comment: This sequence change replaces glycine, which is neutral and non-polar, with valine, which is neutral and non-polar, at codon 2519 of the FLNB protein (p.Gly2519Val). This variant is not present in population databases (gnomAD no frequency). This variant has not been reported in the literature in individuals affected with FLNB-related conditions. Advanced modeling of protein sequence and biophysical properties (such as structural, functional, and spatial information, amino acid conservation, physicochemical variation, residue mobility, and thermodynamic stability) performed at Invitae indicates that this missense variant is not expected to disrupt FLNB protein function with a negative predictive value of 95%. In summary, the available evidence is currently insufficient to determine the role of this variant in disease. Therefore, it has been classified as a Variant of Uncertain Significance.

NM_001457.4(FLNB):c.7556G>T (p.Gly2519Val)

Genes: FLNB (filamin B; plus strand), FLNB-AS1 (FLNB antisense RNA 1; minus strand). Cytogenetic location: 3p14.3.
Variant type: single nucleotide variant.
Coding change: c.7556G>T on transcript NM_001457.4 (MANE Select); coding-DNA position 7556, G replaced by T.
Protein change: p.Gly2519Val; replaces glycine 2519 with valine.
Molecular consequence: missense variant.
Genome position (GRCh38, 1-based): chr3:58,169,728, G>T. VCF-style: chr3-58169728-G-T. GRCh37 (hg19) VCF-style: chr3-58155455-G-T.
Other names: c.7649G>T, p.Gly2550Val (NM_001164317.2); c.7523G>T, p.Gly2508Val (NM_001164318.2); c.7484G>T, p.Gly2495Val (NM_001164319.2); short protein forms G2495V, G2519V, G2508V, G2550V.
Identifiers: ClinVar variation 2694224 (VCV002694224.3), dbSNP rs1308690935, ClinGen allele CA353335542.